The following is an entry in ClinVar:

NM_001768.7(CD8A):c.241G>A (p.Ala81Thr)

Gene: CD8A (CD8 subunit alpha; minus strand). Cytogenetic location: 2p11.2.
Variant type: single nucleotide variant.
Coding change: c.241G>A on transcript NM_001768.7 (MANE Select); coding-DNA position 241, G replaced by A.
Protein change: p.Ala81Thr; replaces alanine 81 with threonine.
Molecular consequence: missense variant. On other transcripts: non-coding transcript variant (3).
Genome position (GRCh38, 1-based): chr2:86,790,490, C>T on the plus strand (G>A on the coding strand, the complement: CD8A is on the minus strand). VCF-style: chr2-86790490-C-T. GRCh37 (hg19) VCF-style: chr2-87017613-C-T.
Other names: c.241G>A, p.Ala81Thr (NM_001145873.1, NM_001382698.1, NM_171827.4); short protein forms A81T.
Identifiers: ClinVar variation 847779 (VCV000847779.9), dbSNP rs970275394, ClinGen allele CA51408098.

ClinVar aggregate classification (germline): Uncertain significance (1 of 4 stars; one submission).

Conditions:
Susceptibility to respiratory infections associated with CD8alpha chain mutation (IMD116). Also called: IMMUNODEFICIENCY 116; Cd8 deficiency, familial. Identifiers: Orphanet 169085, MedGen C1837065, MONDO:0012161, OMIM 608957.

gnomAD v4.1: 2 of 1,614,162 alleles (0.00012%); highest among the groups gnomAD compares: Non-Finnish European, 0.00017%; no homozygotes.

Submission:

Labcorp Genetics (formerly Invitae), Labcorp
Classification: Uncertain significance for Susceptibility to respiratory infections associated with CD8alpha chain mutation. Last evaluated: 2022-07-05. Review status: criteria provided, single submitter. Criteria: Invitae Variant Classification Sherloc (09022015). Collection method: clinical testing. Allele origin: germline.
Comment: This variant is not present in population databases (gnomAD no frequency). This sequence change replaces alanine, which is neutral and non-polar, with threonine, which is neutral and polar, at codon 81 of the CD8A protein (p.Ala81Thr). This variant has not been reported in the literature in individuals affected with CD8A-related conditions. ClinVar contains an entry for this variant (Variation ID: 847779). Algorithms developed to predict the effect of missense changes on protein structure and function are either unavailable or do not agree on the potential impact of this missense change (SIFT: "Tolerated"; PolyPhen-2: "Possibly Damaging"; Align-GVGD: "Class C0"). In summary, the available evidence is currently insufficient to determine the role of this variant in disease. Therefore, it has been classified as a Variant of Uncertain Significance.